The following is an entry in ClinVar:

ClinVar aggregate classification (germline): Uncertain significance (1 of 4 stars; one submission).

Submission:

Labcorp Genetics (formerly Invitae), Labcorp
Classification: Uncertain significance. Last evaluated: 2022-03-31. Review status: criteria provided, single submitter. Criteria: Invitae Variant Classification Sherloc (09022015). Collection method: clinical testing. Allele origin: germline.
Comment: In summary, the available evidence is currently insufficient to determine the role of this variant in disease. Therefore, it has been classified as a Variant of Uncertain Significance. Algorithms developed to predict the effect of missense changes on protein structure and function (SIFT, PolyPhen-2, Align-GVGD) all suggest that this variant is likely to be disruptive. This variant has not been reported in the literature in individuals affected with POLE-related conditions. This variant is not present in population databases (gnomAD no frequency). This sequence change replaces arginine, which is basic and polar, with leucine, which is neutral and non-polar, at codon 742 of the POLE protein (p.Arg742Leu).

NM_006231.4(POLE):c.2225G>T (p.Arg742Leu)

Gene: POLE (DNA polymerase epsilon, catalytic subunit; minus strand). Cytogenetic location: 12q24.33.
Variant type: single nucleotide variant.
Coding change: c.2225G>T on transcript NM_006231.4 (MANE Select); coding-DNA position 2225, G replaced by T.
Protein change: p.Arg742Leu; replaces arginine 742 with leucine.
Molecular consequence: missense variant.
Genome position (GRCh38, 1-based): chr12:132,667,597, C>A on the plus strand (G>T on the coding strand, the complement: POLE is on the minus strand). VCF-style: chr12-132667597-C-A. GRCh37 (hg19) VCF-style: chr12-133244183-C-A.
Other names: short protein forms R742L.
Identifiers: ClinVar variation 2119732 (VCV002119732.4), dbSNP rs116360781, ClinGen allele CA387352264.
Genomic context (GRCh38, chr12:132,667,597, plus strand): 5'-CGGAAGGCACGCACGGTGTCCACGTAGAAGGAGTTTTCCCGCTGGCAGATGGTGGTGAGA[C>A]GCTCTTCCACCTTGGTGATGTGGATCTTCTTGTAGGCTTTCCGGCAGTAATCTAAGCACG-3'
Protein context (NP_006222.2, residues 732-752): KKIHITKVEE[Arg742Leu]LTTICQRENS